The following is an entry in ClinVar:

NM_018105.3(THAP1):c.1A>G (p.Met1Val)

Gene: THAP1 (THAP domain containing 1; minus strand). Cytogenetic location: 8p11.21.
Variant type: single nucleotide variant.
Coding change: c.1A>G on transcript NM_018105.3 (MANE Select); coding-DNA position 1, A replaced by G.
Protein change: p.Met1Val; changes the start codon (methionine 1).
Molecular consequence: missense variant, initiator codon variant.
Genome position (GRCh38, 1-based): chr8:42,843,094, T>C on the plus strand (A>G on the coding strand, the complement: THAP1 is on the minus strand). VCF-style: chr8-42843094-T-C. GRCh37 (hg19) VCF-style: chr8-42698237-T-C.
Other names: c.1A>G, p.Met1Val (NM_199003.2); short protein forms M1V.
Identifiers: ClinVar variation 4891294 (VCV004891294.1).
Genomic context (GRCh38, chr8:42,843,094, plus strand): 5'-AAACGGGCTTGTCCTTGTCGTAGCGGTTCTTGCAGCCGTAGGCGGAGCAGGACTGCACCA[T>C]CCTTCCGGTCCTCAGGCACTTCACTTCTGCCGCCGCAGAAGGCAGGGGAAGCTGTTCTCA-3'
Protein context (NP_060575.1, residues 1-11): [Met1Val]VQSCSAYGCK

ClinVar aggregate classification (germline): Pathogenic (1 of 4 stars; one submission).

Conditions:
Torsion dystonia 6 (DYT6). Also called: DYT-THAP1. Identifiers: Orphanet 98806, MedGen C1414216, MONDO:0011264, OMIM 602629.

Submission:

Clinical Genetics Laboratory, University Hospital Schleswig-Holstein
Classification: Pathogenic for Torsion dystonia 6. Last evaluated: 2025-11-21. Review status: criteria provided, single submitter. Criteria: ACMG Guidelines, 2015. Collection method: clinical testing. Allele origin: germline. Affected: yes. Observed: 1 heterozygote.
Comment: ACMG criteria applied: PM2, PVS1